The following is an entry in ClinVar:

NM_001288705.3(CSF1R):c.142G>A (p.Val48Met)

Gene: CSF1R (colony stimulating factor 1 receptor; minus strand). Cytogenetic location: 5q32.
Variant type: single nucleotide variant.
Coding change: c.142G>A on transcript NM_001288705.3 (MANE Select); coding-DNA position 142, G replaced by A.
Protein change: p.Val48Met; replaces valine 48 with methionine.
Molecular consequence: missense variant. On other transcripts: 5 prime UTR variant (1), non-coding transcript variant (2).
Genome position (GRCh38, 1-based): chr5:150,080,932, C>T on the plus strand (G>A on the coding strand, the complement: CSF1R is on the minus strand). VCF-style: chr5-150080932-C-T. GRCh37 (hg19) VCF-style: chr5-149460495-C-T.
Other names: c.142G>A (NM_005211.3); c.142G>A, p.Val48Met (NM_001349736.2, NM_001375320.1, NM_005211.4); c.-303G>A (NM_001375321.1); short protein forms V48M.
Identifiers: ClinVar variation 2151117 (VCV002151117.5), dbSNP rs1256984931, ClinGen allele CA361737165.

ClinVar aggregate classification (germline): Conflicting classifications of pathogenicity. Review status: criteria provided, conflicting classifications (1 of 4 stars). 2 submissions from 2 submitters: Uncertain significance (1); Likely benign (1). Last evaluated 2025-07-15.

Allele frequency attached by ClinVar (database versions not stated): TOPMed 0.00002.
gnomAD v4.1: 8 of 1,614,182 alleles (0.0005%); highest among the groups gnomAD compares: Non-Finnish European, 0.00034%; no homozygotes.

Submissions (2):

GeneDx
Classification: Uncertain significance. Last evaluated: 2025-07-15. Review status: criteria provided, single submitter. Criteria: GeneDx Variant Classification Process June 2021. Collection method: clinical testing. Allele origin: germline. Affected: yes.
Comment: In silico analysis supports that this missense variant has a deleterious effect on protein structure/function; Has not been previously published as pathogenic or benign to our knowledge

Labcorp Genetics (formerly Invitae), Labcorp
Classification: Likely benign. Last evaluated: 2025-07-06. Review status: criteria provided, single submitter. Criteria: Invitae Variant Classification Sherloc (09022015). Collection method: clinical testing. Allele origin: germline.